The following is an entry in ClinVar:

NM_000540.3(RYR1):c.9685+8G>T

Gene: RYR1 (ryanodine receptor 1; plus strand). Cytogenetic location: 19q13.2.
Variant type: single nucleotide variant.
Coding change: c.9685+8G>T on transcript NM_000540.3 (MANE Select); 8 bases into the intron after coding-DNA position 9685, G replaced by T.
Molecular consequence: intron variant.
Genome position (GRCh38, 1-based): chr19:38,516,225, G>T. VCF-style: chr19-38516225-G-T. GRCh37 (hg19) VCF-style: chr19-39006865-G-T.
Other names: c.9685+8G>T (NM_001042723.2).
Identifiers: ClinVar variation 329092 (VCV000329092.15), dbSNP rs752615788, ClinGen allele CA074002.

ClinVar aggregate classification (germline): Conflicting classifications of pathogenicity. Review status: criteria provided, conflicting classifications (1 of 4 stars). 4 submissions from 3 submitters: Uncertain significance (2); Likely benign (2). Last evaluated 2026-04-17.

Conditions:
RYR1-related disorder. Also called: RYR1-related disorders; RYR1-related condition. Identifiers: MedGen CN239331.
Malignant hyperthermia, susceptibility to, 1 (MHS1). Also called: RYR1-Related Malignant Hyperthermia Susceptibility; Anesthesia related hyperthermia; Malignant hyperpyrexia; Fulminating hyperpyrexia; Pharmacogenic myopathy; Malignant hyperthermia suceptibility 1. Identifiers: Orphanet 423, MedGen C2930980, MONDO:0007783, OMIM 145600.
Congenital multicore myopathy with external ophthalmoplegia (CMYO1B). Also called: Minicore myopathy with external ophthalmoplegia; Congenital myopathy 1B, autosomal recessive; Minicore myopathy; MULTIMINICORE DISEASE WITH EXTERNAL OPHTHALMOPLEGIA; MULTICORE MYOPATHY. Identifiers: Orphanet 598, Orphanet 98905, MedGen C1850674, MONDO:0009712, OMIM 255320, HP:0003789.

Allele frequency attached by ClinVar (database versions not stated): gnomAD 0.00001; TOPMed 0.00001; ExAC 0.00004.
gnomAD v4.1: 22 of 1,584,974 alleles (0.0014%); highest among the groups gnomAD compares: Non-Finnish European, 0.0017%; no homozygotes.

Submissions (4):

Women's Health and Genetics/Laboratory Corporation of America, LabCorp
Classification: Likely benign. Last evaluated: 2026-04-17. Review status: criteria provided, single submitter. Criteria: LabCorp Variant Classification Summary - May 2015. Collection method: clinical testing. Allele origin: germline.
Comment: Variant summary: RYR1 c.9685+8G>T alters a nucleotide located at a position not widely known to affect splicing. Consensus agreement among computation tools predict no significant impact on normal splicing. However, these predictions have yet to be confirmed by functional studies. The frequency data for this variant in gnomAD is considered unreliable, as metrics indicate poor data quality at this position. To our knowledge, no occurrence of c.9685+8G>T in individuals affected with RYR1-related conditions and no experimental evidence demonstrating its impact on protein function have been reported. ClinVar contains an entry for this variant (Variation ID: 329092). Based on the evidence outlined above, the variant was classified as likely benign.

Labcorp Genetics (formerly Invitae), Labcorp
Classification: Likely benign for RYR1-related disorder. Last evaluated: 2026-01-06. Review status: criteria provided, single submitter. Criteria: Invitae Variant Classification Sherloc (09022015). Collection method: clinical testing. Allele origin: germline.

Illumina Laboratory Services, Illumina
Classification: Uncertain significance for Congenital multicore myopathy with external ophthalmoplegia. Last evaluated: 2018-01-13. Review status: criteria provided, single submitter. Criteria: ICSL Variant Classification Criteria 13 December 2019. Collection method: clinical testing. Allele origin: germline.

Illumina Laboratory Services, Illumina
Classification: Uncertain significance for Malignant hyperthermia, susceptibility to, 1. Last evaluated: 2018-01-13. Review status: criteria provided, single submitter. Criteria: ICSL Variant Classification Criteria 13 December 2019. Collection method: clinical testing. Allele origin: germline.